The following is an entry in ClinVar:

ClinVar aggregate classification (germline): Likely benign. Review status: criteria provided, multiple submitters, no conflicts (2 of 4 stars). 3 submissions from 3 submitters: Likely benign (3). Last evaluated 2025-05-22.

Conditions:
TBX3-related disorder. Also called: TBX3-related condition.
Ulnar-mammary syndrome (UMS). Also called: Ulnar-mammary syndrome of Pallister; SCHINZEL SYNDROME; PALLISTER ULNAR-MAMMARY SYNDROME. Identifiers: Orphanet 3138, MedGen C1866994, MONDO:0008411, OMIM 181450.

Submissions (3):

PreventionGenetics, part of Exact Sciences
Classification: Likely benign for TBX3-related condition. Last evaluated: 2025-05-22. Review status: criteria provided, single submitter. Criteria: ACMG Guidelines, 2015. Collection method: clinical testing. Allele origin: germline.
Comment: This variant is classified as likely benign based on ACMG/AMP sequence variant interpretation guidelines (Richards et al. 2015 PMID: 25741868, with internal and published modifications).

Labcorp Genetics (formerly Invitae), Labcorp
Classification: Likely benign for Ulnar-mammary syndrome. Last evaluated: 2024-04-29. Review status: criteria provided, single submitter. Criteria: Invitae Variant Classification Sherloc (09022015). Collection method: clinical testing. Allele origin: germline.

Blueprint Genetics
Classification: Likely benign. Last evaluated: 2023-03-20. Review status: criteria provided, single submitter. Criteria: ACMG Guidelines, 2015. Collection method: clinical testing. Allele origin: germline.

NM_005996.4(TBX3):c.255G>T (p.Ala85=)

Genes: TBX3-AS1 (TBX3 antisense RNA 1; plus strand), TBX3 (T-box transcription factor 3; minus strand). Cytogenetic location: 12q24.21.
Variant type: single nucleotide variant.
Coding change: c.255G>T on transcript NM_005996.4 (MANE Select); coding-DNA position 255, G replaced by T.
Protein change: p.Ala85=; no amino-acid change (alanine 85 retained).
Molecular consequence: synonymous variant.
Genome position (GRCh38, 1-based): chr12:114,682,946, C>A on the plus strand (G>T on the coding strand, the complement: TBX3 is on the minus strand). VCF-style: chr12-114682946-C-A. GRCh37 (hg19) VCF-style: chr12-115120751-C-A.
Other names: c.255G>T (NM_016569.3); c.255G>T, p.Ala85= (NM_016569.4).
Identifiers: ClinVar variation 3709709 (VCV003709709.4).